The following is an entry in ClinVar:

ClinVar aggregate classification (germline): Uncertain significance (1 of 4 stars; one submission).

Conditions:
L-2-hydroxyglutaric aciduria (L2HGA). Identifiers: Orphanet 79314, MedGen C1855995, MONDO:0009370, OMIM 236792, HP:0040144.

Submission:

Labcorp Genetics (formerly Invitae), Labcorp
Classification: Uncertain significance for L-2-hydroxyglutaric aciduria. Last evaluated: 2022-09-19. Review status: criteria provided, single submitter. Criteria: Invitae Variant Classification Sherloc (09022015). Collection method: clinical testing. Allele origin: germline.
Comment: In summary, the available evidence is currently insufficient to determine the role of this variant in disease. Therefore, it has been classified as a Variant of Uncertain Significance. Advanced modeling of protein sequence and biophysical properties (such as structural, functional, and spatial information, amino acid conservation, physicochemical variation, residue mobility, and thermodynamic stability) performed at Invitae indicates that this missense variant is expected to disrupt L2HGDH protein function. This variant has not been reported in the literature in individuals affected with L2HGDH-related conditions. This variant is not present in population databases (gnomAD no frequency). This sequence change replaces leucine, which is neutral and non-polar, with phenylalanine, which is neutral and non-polar, at codon 261 of the L2HGDH protein (p.Leu261Phe).

NM_024884.3(L2HGDH):c.781C>T (p.Leu261Phe)

Gene: L2HGDH (L-2-hydroxyglutarate dehydrogenase; minus strand). Cytogenetic location: 14q21.3.
Variant type: single nucleotide variant.
Coding change: c.781C>T on transcript NM_024884.3 (MANE Select); coding-DNA position 781, C replaced by T.
Protein change: p.Leu261Phe; replaces leucine 261 with phenylalanine.
Molecular consequence: missense variant.
Genome position (GRCh38, 1-based): chr14:50,269,288, G>A on the plus strand (C>T on the coding strand, the complement: L2HGDH is on the minus strand). VCF-style: chr14-50269288-G-A. GRCh37 (hg19) VCF-style: chr14-50736006-G-A.
Other names: short protein forms L261F.
Identifiers: ClinVar variation 1896859 (VCV001896859.3), dbSNP rs745703805, ClinGen allele CA389650548.